The following is an entry in ClinVar:

ClinVar aggregate classification (germline): Uncertain significance (1 of 4 stars; one submission).

Submission:

GeneDx
Classification: Uncertain significance. Last evaluated: 2023-05-31. Review status: criteria provided, single submitter. Criteria: GeneDx Variant Classification Process June 2021. Collection method: clinical testing. Allele origin: germline. Affected: yes.
Comment: Not observed at significant frequency in large population cohorts (gnomAD); In silico analysis supports that this missense variant has a deleterious effect on protein structure/function; Has not been previously published as pathogenic or benign to our knowledge

NM_018896.5(CACNA1G):c.5222C>T (p.Pro1741Leu)

Gene: CACNA1G (calcium voltage-gated channel subunit alpha1 G; plus strand). Cytogenetic location: 17q21.33.
Variant type: single nucleotide variant.
Coding change: c.5222C>T on transcript NM_018896.5 (MANE Select); coding-DNA position 5222, C replaced by T.
Protein change: p.Pro1741Leu; replaces proline 1741 with leucine.
Molecular consequence: missense variant. On other transcripts: non-coding transcript variant (5), intron variant (2).
Genome position (GRCh38, 1-based): chr17:50,617,925, C>T. VCF-style: chr17-50617925-C-T. GRCh37 (hg19) VCF-style: chr17-48695286-C-T.
Other names: c.5168C>T, p.Pro1723Leu (NM_001256324.2, NM_198386.3); c.5243C>T, p.Pro1748Leu (NM_001256325.2); c.5087C>T, p.Pro1696Leu (NM_001256326.2, NM_001256330.2); c.5120C>T, p.Pro1707Leu (NM_001256329.2, NM_198376.3, NM_198379.3 and 2 more transcripts); c.5066C>T, p.Pro1689Leu (NM_001256331.2); c.5051C>T, p.Pro1684Leu (NM_001256332.2); c.5222C>T, p.Pro1741Leu (NM_001256333.2, NM_198384.3, NM_198385.3); c.5189C>T, p.Pro1730Leu (NM_001256334.2, NM_198377.3, NM_198378.3 and 1 more transcripts); and 7 more; short protein forms P1684L, P1689L, P1696L, P1700L, P1703L, P1705L, P1707L, P1714L.
Identifiers: ClinVar variation 3359500 (VCV003359500.1).